The following is an entry in ClinVar:

NM_005902.4(SMAD3):c.455C>T (p.Pro152Leu)

Gene: SMAD3 (SMAD family member 3; plus strand). Cytogenetic location: 15q22.33.
Variant type: single nucleotide variant.
Coding change: c.455C>T on transcript NM_005902.4 (MANE Select); coding-DNA position 455, C replaced by T.
Protein change: p.Pro152Leu; replaces proline 152 with leucine.
Molecular consequence: missense variant. On other transcripts: intron variant (2).
Genome position (GRCh38, 1-based): chr15:67,165,307, C>T. VCF-style: chr15-67165307-C-T. GRCh37 (hg19) VCF-style: chr15-67457645-C-T.
Other names: c.140C>T, p.Pro47Leu (NM_001145102.2, NM_001407016.1); c.323C>T, p.Pro108Leu (NM_001145103.2); c.455C>T, p.Pro152Leu (NM_001407011.1, NM_001407013.1); c.308C>T, p.Pro103Leu (NM_001407014.1); c.400+219C>T (NM_001407012.1); c.85+219C>T (NM_001407015.1); short protein forms P103L, P108L, P152L, P47L.
Identifiers: ClinVar variation 3070737 (VCV003070737.2), dbSNP rs375574124, ClinGen allele CA392954341.

ClinVar aggregate classification (germline): Uncertain significance. Review status: criteria provided, multiple submitters, no conflicts (2 of 4 stars). 2 submissions from 2 submitters: Uncertain significance (2). Last evaluated 2025-10-07.

Conditions:
Aneurysm-osteoarthritis syndrome. Also called: SMAD3-Related Loeys-Dietz Syndrome; ANEURYSMS-OSTEOARTHRITIS SYNDROME; Loeys-Dietz syndrome, type 1C; LOEYS-DIETZ SYNDROME WITH OSTEOARTHRITIS. Identifiers: Orphanet 284984, MedGen C3151087, MONDO:0013426, OMIM 613795.
Familial thoracic aortic aneurysm and aortic dissection (TAAD). Also called: Thoracic aortic aneurysms and dissections. Identifiers: Orphanet 91387, MedGen C4707243, MONDO:0019625.

gnomAD v4.1: 1 of 1,614,216 alleles (0.000062%); highest among the groups gnomAD compares: South Asian, 0.0011%; no homozygotes.

Submissions (2):

Color Diagnostics, LLC DBA Color Health
Classification: Uncertain significance for Familial thoracic aortic aneurysm and aortic dissection. Last evaluated: 2025-10-07. Review status: criteria provided, single submitter. Criteria: ACMG Guidelines, 2015. Collection method: clinical testing. Allele origin: germline.
Comment: This missense variant replaces proline with leucine at codon 152 of the SMAD3 protein. Computational prediction suggests that this variant may not impact protein structure and function. To our knowledge, functional studies have not been reported for this variant. This variant has not been reported in individuals affected with SMAD3-related disorders in the literature. This variant has been identified in 1/1461862 chromosomes in the general population by the Genome Aggregation Database (gnomAD). The available evidence is insufficient to determine the role of this variant in disease conclusively. Therefore, this variant is classified as a Variant of Uncertain Significance.

All of Us Research Program, National Institutes of Health
Classification: Uncertain significance for Aneurysm-osteoarthritis syndrome. Last evaluated: 2023-05-04. Review status: criteria provided, single submitter. Criteria: ACMG Guidelines, 2015. Collection method: clinical testing. Allele origin: germline. Inheritance: Autosomal dominant inheritance. Observed: 1 variant allele, 1 heterozygote.
Comment: This missense variant replaces proline with leucine at codon 152 of the SMAD3 protein. Computational prediction suggests that this variant may not impact protein structure and function (internally defined REVEL score threshold <= 0.5, PMID: 27666373). To our knowledge, functional studies have not been reported for this variant. This variant has not been reported in individuals affected with SMAD3-related disorders in the literature. This variant has not been identified in the general population by the Genome Aggregation Database (gnomAD). The available evidence is insufficient to determine the role of this variant in disease conclusively. Therefore, this variant is classified as a Variant of Uncertain Significance.

This study involves interpretation of variants in research participants for the purpose of population health screening. Participant phenotype was not available at the time of variant classification. Additional details can be found in publication PMID: 35346344, PMCID: PMC8962531